The following is an entry in ClinVar:

ClinVar aggregate classification (germline): Uncertain significance (1 of 4 stars; one submission).

Allele frequency attached by ClinVar (database versions not stated): TOPMed 0.00001.
gnomAD v4.1: 5 of 1,613,568 alleles (0.00031%); highest among the groups gnomAD compares: Non-Finnish European, 0.00042%; no homozygotes.

Submission:

Labcorp Genetics (formerly Invitae), Labcorp
Classification: Uncertain significance. Last evaluated: 2022-03-15. Review status: criteria provided, single submitter. Criteria: Invitae Variant Classification Sherloc (09022015). Collection method: clinical testing. Allele origin: germline.
Comment: This sequence change replaces leucine, which is neutral and non-polar, with phenylalanine, which is neutral and non-polar, at codon 6 of the DGUOK protein (p.Leu6Phe). This variant is not present in population databases (gnomAD no frequency). This variant has not been reported in the literature in individuals affected with DGUOK-related conditions. Algorithms developed to predict the effect of missense changes on protein structure and function output the following: SIFT: "Tolerated"; PolyPhen-2: "Benign"; Align-GVGD: "Class C0". The phenylalanine amino acid residue is found in multiple mammalian species, which suggests that this missense change does not adversely affect protein function. In summary, the available evidence is currently insufficient to determine the role of this variant in disease. Therefore, it has been classified as a Variant of Uncertain Significance.

NM_080916.3(DGUOK):c.16C>T (p.Leu6Phe)

Genes: DGUOK (deoxyguanosine kinase; plus strand), LOC129934096 (ATAC-STARR-seq lymphoblastoid active region 16036; plus strand). Cytogenetic location: 2p13.1.
Variant type: single nucleotide variant.
Coding change: c.16C>T on transcript NM_080916.3 (MANE Select); coding-DNA position 16, C replaced by T.
Protein change: p.Leu6Phe; replaces leucine 6 with phenylalanine.
Molecular consequence: missense variant. On other transcripts: 5 prime UTR variant (4), non-coding transcript variant (6).
Genome position (GRCh38, 1-based): chr2:73,926,926, C>T. VCF-style: chr2-73926926-C-T. GRCh37 (hg19) VCF-style: chr2-74154053-C-T.
Other names: c.16C>T, p.Leu6Phe (NM_001318859.2, NM_080918.3); c.-163C>T (NM_001318860.2, NM_001318863.2); c.-249C>T (NM_001318861.2, NM_001318862.2); short protein forms L6F.
Identifiers: ClinVar variation 1938774 (VCV001938774.2), dbSNP rs770100935, ClinGen allele CA347296574.
Genomic context (GRCh38, chr2:73,926,926, plus strand): 5'-GAAGTGCTCTCGGCGGAAGTGATCGCTGTGTGAATCGTGGGTGGGATGGCCGCGGGCCGC[C>T]TCTTTCTAAGTCGGCTTCGAGCACCCTTCAGTTCCATGGCCAAGAGCCCACTCGAGGGCG-3'
Protein context (NP_550438.1, residues 1-16): MAAGR[Leu6Phe]FLSRLRAPFS